The following is an entry in ClinVar:

ClinVar aggregate classification (germline): Uncertain significance (1 of 4 stars; one submission).

Conditions:
Cardiovascular phenotype. Identifiers: MedGen CN230736.

Submission:

Ambry Genetics
Classification: Uncertain significance for Cardiovascular phenotype. Last evaluated: 2026-03-07. Review status: criteria provided, single submitter. Criteria: Ambry Variant Classification Scheme 2023. Collection method: clinical testing. Allele origin: germline.
Comment: The p.D4508E variant (also known as c.13524T>G), located in coding exon 29 of the APOB gene, results from a T to G substitution at nucleotide position 13524. The aspartic acid at codon 4508 is replaced by glutamic acid, an amino acid with highly similar properties. This amino acid position is conserved. In addition, this alteration is predicted to be tolerated by in silico analysis. Based on the available evidence, the clinical significance of this variant remains unclear.

NM_000384.3(APOB):c.13524T>G (p.Asp4508Glu)

Gene: APOB (apolipoprotein B; minus strand). Cytogenetic location: 2p24.1.
Variant type: single nucleotide variant.
Coding change: c.13524T>G on transcript NM_000384.3 (MANE Select); coding-DNA position 13524, T replaced by G.
Protein change: p.Asp4508Glu; replaces aspartic acid 4508 with glutamic acid.
Molecular consequence: missense variant.
Genome position (GRCh38, 1-based): chr2:21,001,898, A>C on the plus strand (T>G on the coding strand, the complement: APOB is on the minus strand). VCF-style: chr2-21001898-A-C. GRCh37 (hg19) VCF-style: chr2-21224770-A-C.
Other names: short protein forms D4508E.
Identifiers: ClinVar variation 4826824 (VCV004826824.1).
Genomic context (GRCh38, chr2:21,001,898, plus strand): 5'-GTAGTTTTGAATGGACAGGTCAATCAATCTTTTGGATTCAGCAATAAATTTTTCATAGTA[A>C]TCAGAGAGTTGGTCTGAAAAATCTTGCAGTTTATATCTAAACTGCTGGTGGTAATCAGAA-3'
Protein context (NP_000375.3, residues 4498-4518): KLQDFSDQLS[Asp4508Glu]YYEKFIAESK